The following is an entry in ClinVar:

ClinVar aggregate classification (germline): Likely benign (0 of 4 stars; one submission).

Conditions:
BRWD1-related disorder. Also called: BRWD1-related condition.

Allele frequency attached by ClinVar (database versions not stated): gnomAD 0.00028; TOPMed 0.00028; ExAC 0.00036; ESP Exome Variant Server 0.00062.
gnomAD v4.1: 732 of 1,582,148 alleles (0.046%); highest among the groups gnomAD compares: Middle Eastern, 0.083%; 1 homozygote.

Submission:

PreventionGenetics, part of Exact Sciences
Classification: Likely benign for BRWD1-related condition. Last evaluated: 2019-09-19. Review status: no assertion criteria provided. Collection method: clinical testing. Allele origin: germline.
Comment: This variant is classified as likely benign based on ACMG/AMP sequence variant interpretation guidelines (Richards et al. 2015 PMID: 25741868, with internal and published modifications).

NM_033656.4(BRWD1):c.2767-9C>T

Gene: BRWD1 (bromodomain and WD repeat domain containing 1; minus strand). Cytogenetic location: 21q22.2.
Variant type: single nucleotide variant.
Coding change: c.2767-9C>T on transcript NM_033656.4 (MANE Select); 9 bases into the intron before coding-DNA position 2767, C replaced by T.
Molecular consequence: intron variant.
Genome position (GRCh38, 1-based): chr21:39,232,507, G>A on the plus strand (C>T on the coding strand, the complement: BRWD1 is on the minus strand). VCF-style: chr21-39232507-G-A. GRCh37 (hg19) VCF-style: chr21-40604433-G-A.
Other names: c.2767-9C>T (NM_018963.5).
Identifiers: ClinVar variation 3038498 (VCV003038498.2), dbSNP rs377625633, ClinGen allele CA10027137.